The following is an entry in ClinVar:

NM_001142864.4(PIEZO1):c.7049+9A>T

Gene: PIEZO1 (piezo type mechanosensitive ion channel component 1 (Er blood group); minus strand). Cytogenetic location: 16q24.3.
Variant type: single nucleotide variant.
Coding change: c.7049+9A>T on transcript NM_001142864.4 (MANE Select); 9 bases into the intron after coding-DNA position 7049, A replaced by T.
Molecular consequence: intron variant.
Genome position (GRCh38, 1-based): chr16:88,716,352, T>A on the plus strand (A>T on the coding strand, the complement: PIEZO1 is on the minus strand). VCF-style: chr16-88716352-T-A. GRCh37 (hg19) VCF-style: chr16-88782760-T-A.
Other names: p.?.
Identifiers: ClinVar variation 2635786 (VCV002635786.4), dbSNP rs751878651, ClinGen allele CA8231428.
Genomic context (GRCh38, chr16:88,716,352, plus strand): 5'-TGGCAGGTCAGGCCTGGCCCAGCCAACCTGGCACAGCCCTCCTGCCCACCACCCGGGCCC[T>A]TCACTCACACAGACTGGTCCGAGGTGCCCTCGAGCAGGCTGGCCAGCTGCCGCCGTGCAG-3'

ClinVar aggregate classification (germline): Likely benign. Review status: criteria provided, multiple submitters, no conflicts (2 of 4 stars). 3 submissions from 3 submitters: Likely benign (3). Last evaluated 2026-07-30.

Conditions:
PIEZO1-related disorder. Also called: PIEZO1-related condition; PIEZO1-Related Disorders.

Allele frequency attached by ClinVar (database versions not stated): ExAC 0.00009; gnomAD 0.00014; gnomAD exomes 0.00015; TOPMed 0.00016.
gnomAD v4.1: 230 of 1,524,790 alleles (0.015%); highest among the groups gnomAD compares: Non-Finnish European, 0.019%; no homozygotes.

Submissions (3):

PreventionGenetics, part of Exact Sciences
Classification: Likely benign for PIEZO1-related condition. Last evaluated: 2026-07-30. Review status: criteria provided, single submitter. Criteria: ACMG Guidelines, 2015. Collection method: clinical testing. Allele origin: germline.
Comment: This variant is classified as likely benign based on ACMG/AMP sequence variant interpretation guidelines (Richards et al. 2015 PMID: 25741868, with internal and published modifications).

Blueprint Genetics
Classification: Likely benign. Last evaluated: 2024-09-24. Review status: criteria provided, single submitter. Criteria: ACMG Guidelines, 2015. Collection method: clinical testing. Allele origin: germline.

Mayo Clinic Laboratories, Mayo Clinic
Classification: Likely benign. Last evaluated: 2021-11-02. Review status: criteria provided, single submitter. Criteria: ACMG Guidelines, 2015. Collection method: clinical testing. Allele origin: germline. Observed: 3 variant alleles.